The following is an entry in ClinVar:

NM_000222.3(KIT):c.833G>C (p.Ser278Thr)

Gene: KIT (KIT proto-oncogene, receptor tyrosine kinase; plus strand). Cytogenetic location: 4q12.
Variant type: single nucleotide variant.
Coding change: c.833G>C on transcript NM_000222.3 (MANE Select); coding-DNA position 833, G replaced by C.
Protein change: p.Ser278Thr; replaces serine 278 with threonine.
Molecular consequence: missense variant.
Genome position (GRCh38, 1-based): chr4:54,703,800, G>C. VCF-style: chr4-54703800-G-C. GRCh37 (hg19) VCF-style: chr4-55569966-G-C.
Other names: c.833G>C, p.Ser278Thr (NM_001385285.1, NM_001385286.1, NM_001093772.2); c.836G>C, p.Ser279Thr (NM_001385288.1, NM_001385290.1, NM_001385292.1 and 1 more transcripts); short protein forms S278T, S279T.
Identifiers: ClinVar variation 4043772 (VCV004043772.1).
Genomic context (GRCh38, chr4:54,703,800, plus strand): 5'-AATATAATAGCTGGCATCACGGTGACTTCAATTATGAACGTCAGGCAACGTTGACTATCA[G>C]TTCAGCGAGAGTTAATGATTCTGGAGTGTTCATGTGTTATGCCAATAATACTTTTGGATC-3'
Protein context (NP_000213.1, residues 268-288): NYERQATLTI[Ser278Thr]SARVNDSGVF

ClinVar aggregate classification (germline): Uncertain significance (1 of 4 stars; one submission).

Conditions:
Hereditary cancer-predisposing syndrome. Also called: Neoplastic Syndromes, Hereditary; Tumor predisposition; Hereditary neoplastic syndrome; Hereditary Cancer Syndrome. Identifiers: Orphanet 140162, MedGen C0027672, MeSH D009386, MONDO:0015356.

gnomAD v4.1: 2 of 1,613,574 alleles (0.00012%); highest among the groups gnomAD compares: Non-Finnish European, 0.00017%; no homozygotes.

Submission:

Ambry Genetics
Classification: Uncertain significance for Hereditary cancer-predisposing syndrome. Last evaluated: 2025-06-05. Review status: criteria provided, single submitter. Criteria: Ambry Variant Classification Scheme 2023. Collection method: clinical testing. Allele origin: germline.
Comment: The p.S278T variant (also known as c.833G>C), located in coding exon 5 of the KIT gene, results from a G to C substitution at nucleotide position 833. The serine at codon 278 is replaced by threonine, an amino acid with similar properties. This amino acid position is conserved. In addition, this alteration is predicted to be tolerated by in silico analysis. Based on the available evidence, the clinical significance of this variant remains unclear.